The following is an entry in ClinVar:

NM_015158.5(KANK1):c.3685A>C (p.Lys1229Gln)

Gene: KANK1 (KN motif and ankyrin repeat domains 1; plus strand). Cytogenetic location: 9p24.3.
Variant type: single nucleotide variant.
Coding change: c.3685A>C on transcript NM_015158.5 (MANE Select); coding-DNA position 3685, A replaced by C.
Protein change: p.Lys1229Gln; replaces lysine 1229 with glutamine.
Molecular consequence: missense variant. On other transcripts: non-coding transcript variant (1).
Genome position (GRCh38, 1-based): chr9:740,923, A>C. VCF-style: chr9-740923-A-C. GRCh37 (hg19) VCF-style: chr9-740923-A-C.
Other names: c.3685A>C, p.Lys1229Gln (NM_001354334.2, NM_001256876.3, NM_001256877.3); c.3211A>C, p.Lys1071Gln (NM_001354335.2, NM_001354337.2, NM_001354341.2 and 2 more transcripts); c.2917A>C, p.Lys973Gln (NM_001354336.2); c.3157A>C, p.Lys1053Gln (NM_001354338.2, NM_001354340.2, NM_001354344.2); c.2971A>C, p.Lys991Gln (NM_001354339.2, NM_001354342.2, NM_001354343.2); c.3445A>C, p.Lys1149Gln (NM_001354331.2); c.3631A>C, p.Lys1211Gln (NM_001354332.2); short protein forms K1053Q, K1071Q, K1149Q, K1211Q, K1229Q, K973Q, K991Q.
Identifiers: ClinVar variation 1714469 (VCV001714469.5), dbSNP rs1198147289, ClinGen allele CA372761304.

ClinVar aggregate classification (germline): Uncertain significance (1 of 4 stars; one submission).

gnomAD v4.1: 1 of 1,614,204 alleles (0.000062%); highest among the groups gnomAD compares: Non-Finnish European, 0.000085%; no homozygotes.

Submission:

Labcorp Genetics (formerly Invitae), Labcorp
Classification: Uncertain significance. Last evaluated: 2022-11-10. Review status: criteria provided, single submitter. Criteria: Invitae Variant Classification Sherloc (09022015). Collection method: clinical testing. Allele origin: germline.
Comment: In summary, the available evidence is currently insufficient to determine the role of this variant in disease. Therefore, it has been classified as a Variant of Uncertain Significance. Advanced modeling of protein sequence and biophysical properties (such as structural, functional, and spatial information, amino acid conservation, physicochemical variation, residue mobility, and thermodynamic stability) performed at Invitae indicates that this missense variant is expected to disrupt KANK1 protein function. This variant has not been reported in the literature in individuals affected with KANK1-related conditions. This variant is present in population databases (no rsID available, gnomAD 0.0009%). This sequence change replaces lysine, which is basic and polar, with glutamine, which is neutral and polar, at codon 1229 of the KANK1 protein (p.Lys1229Gln).